The following is an entry in ClinVar:

NM_032242.4(PLXNA1):c.5197G>A (p.Asp1733Asn)

Gene: PLXNA1 (plexin A1; plus strand). Cytogenetic location: 3q21.3.
Variant type: single nucleotide variant.
Coding change: c.5197G>A on transcript NM_032242.4 (MANE Select); coding-DNA position 5197, G replaced by A.
Protein change: p.Asp1733Asn; replaces aspartic acid 1733 with asparagine.
Molecular consequence: missense variant.
Genome position (GRCh38, 1-based): chr3:127,030,378, G>A. VCF-style: chr3-127030378-G-A. GRCh37 (hg19) VCF-style: chr3-126749221-G-A.
Other names: short protein forms D1733N.
Identifiers: ClinVar variation 4997932 (VCV004997932.1).

ClinVar aggregate classification (germline): Uncertain significance (1 of 4 stars; one submission).

Conditions:
PLXNA1-related disorder. Also called: PLXNA1-related condition.

gnomAD v4.1: 6 of 1,613,990 alleles (0.00037%); highest among the groups gnomAD compares: African/African-American, 0.0013%; no homozygotes.

Submission:

PreventionGenetics, part of Exact Sciences
Classification: Uncertain significance for PLXNA1-related condition. Last evaluated: 2024-12-03. Review status: criteria provided, single submitter. Criteria: ACMG Guidelines, 2015. Collection method: clinical testing. Allele origin: germline.
Comment: The PLXNA1 c.5197G>A variant is predicted to result in the amino acid substitution p.Asp1733Asn. This variant has not been reported in the literature in individuals with PLXNA1-related disorders. This variant has not been reported in a large population database (gnomAD), indicating this variant is rare. At this time, the clinical significance of this variant is uncertain due to the absence of conclusive functional and genetic evidence.